The following is an entry in ClinVar:

NM_030940.4(ISCA1):c.81+3G>A

Gene: ISCA1 (iron-sulfur cluster assembly 1; minus strand). Cytogenetic location: 9q21.33.
Variant type: single nucleotide variant.
Coding change: c.81+3G>A on transcript NM_030940.4 (MANE Select); 3 bases into the intron after coding-DNA position 81, G replaced by A.
Molecular consequence: intron variant.
Genome position (GRCh38, 1-based): chr9:86,282,375, C>T on the plus strand (G>A on the coding strand, the complement: ISCA1 is on the minus strand). VCF-style: chr9-86282375-C-T. GRCh37 (hg19) VCF-style: chr9-88897290-C-T.
Identifiers: ClinVar variation 3047585 (VCV003047585.2), dbSNP rs997344571, ClinGen allele CA195533971.

ClinVar aggregate classification (germline): Likely benign (0 of 4 stars; one submission).

Conditions:
ISCA1-related disorder. Also called: ISCA1-related condition.

Allele frequency attached by ClinVar (database versions not stated): gnomAD 0.00003; TOPMed 0.00003; gnomAD exomes 0.00004.
gnomAD v4.1: 64 of 1,546,610 alleles (0.0041%); highest among the groups gnomAD compares: Non-Finnish European, 0.0055%; no homozygotes.

Submission:

PreventionGenetics, part of Exact Sciences
Classification: Likely benign for ISCA1-related condition. Last evaluated: 2020-03-20. Review status: no assertion criteria provided. Collection method: clinical testing. Allele origin: germline.
Comment: This variant is classified as likely benign based on ACMG/AMP sequence variant interpretation guidelines (Richards et al. 2015 PMID: 25741868, with internal and published modifications).